The following is an entry in ClinVar:

NM_022042.4(SLC26A1):c.1965C>G (p.Asp655Glu)

Genes: IDUA (alpha-L-iduronidase; plus strand), SLC26A1 (solute carrier family 26 member 1; minus strand). Cytogenetic location: 4p16.3.
Variant type: single nucleotide variant.
Coding change: c.1965C>G on transcript NM_022042.4 (MANE Select); coding-DNA position 1965, C replaced by G.
Protein change: p.Asp655Glu; replaces aspartic acid 655 with glutamic acid.
Molecular consequence: missense variant. On other transcripts: intron variant (2).
Genome position (GRCh38, 1-based): chr4:988,974, G>C on the plus strand (C>G on the coding strand, the complement: SLC26A1 is on the minus strand). VCF-style: chr4-988974-G-C. GRCh37 (hg19) VCF-style: chr4-982762-G-C.
Other names: c.1965C>G, p.Asp655Glu (NM_213613.4); c.576+2154C>G (NM_134425.4); c.299+1025G>C (NM_000203.5); c.1965C>G (NM_213613.2); short protein forms D655E.
Identifiers: ClinVar variation 2723774 (VCV002723774.4), dbSNP rs144040688, ClinGen allele CA2801215.

ClinVar aggregate classification (germline): Uncertain significance. Review status: criteria provided, multiple submitters, no conflicts (2 of 4 stars). 2 submissions from 2 submitters: Uncertain significance (2). Last evaluated 2025-08-02.

Conditions:
Inborn genetic diseases. Identifiers: MedGen C0950123, MeSH D030342.

Allele frequency attached by ClinVar (database versions not stated): ExAC 0.00015; gnomAD 0.00027; ESP Exome Variant Server 0.00039; TOPMed 0.00029; 1000 Genomes Project 30x 0.00062; gnomAD exomes 0.00002; 1000 Genomes Project 0.00080.
gnomAD v4.1: 74 of 1,596,430 alleles (0.0046%); highest among the groups gnomAD compares: African/African-American, 0.098%; no homozygotes.

Submissions (2):

Ambry Genetics
Classification: Uncertain significance for Inborn genetic diseases. Last evaluated: 2025-08-02. Review status: criteria provided, single submitter. Criteria: Ambry Variant Classification Scheme 2023. Collection method: clinical testing. Allele origin: germline.

Labcorp Genetics (formerly Invitae), Labcorp
Classification: Uncertain significance. Last evaluated: 2025-06-12. Review status: criteria provided, single submitter. Criteria: Invitae Variant Classification Sherloc (09022015). Collection method: clinical testing. Allele origin: germline.
Comment: This sequence change replaces aspartic acid, which is acidic and polar, with glutamic acid, which is acidic and polar, at codon 655 of the SLC26A1 protein (p.Asp655Glu). This variant is present in population databases (rs144040688, gnomAD 0.1%), and has an allele count higher than expected for a pathogenic variant. This variant has not been reported in the literature in individuals affected with SLC26A1-related conditions. ClinVar contains an entry for this variant (Variation ID: 2723774). Invitae Evidence Modeling of protein sequence and biophysical properties (such as structural, functional, and spatial information, amino acid conservation, physicochemical variation, residue mobility, and thermodynamic stability) indicates that this missense variant is not expected to disrupt SLC26A1 protein function with a negative predictive value of 80%. In summary, the available evidence is currently insufficient to determine the role of this variant in disease. Therefore, it has been classified as a Variant of Uncertain Significance.